The following is an entry in ClinVar:

NM_001104631.2(PDE4D):c.73A>G (p.Thr25Ala)

Gene: PDE4D (phosphodiesterase 4D; minus strand). Cytogenetic location: 5q12.1.
Variant type: single nucleotide variant.
Coding change: c.73A>G on transcript NM_001104631.2 (MANE Select); coding-DNA position 73, A replaced by G.
Protein change: p.Thr25Ala; replaces threonine 25 with alanine.
Molecular consequence: missense variant. On other transcripts: intron variant (5).
Genome position (GRCh38, 1-based): chr5:59,893,550, T>C on the plus strand (A>G on the coding strand, the complement: PDE4D is on the minus strand). VCF-style: chr5-59893550-T-C. GRCh37 (hg19) VCF-style: chr5-59189377-T-C.
Other names: c.272+94938A>G (NM_001364599.1, NM_001165899.2, NM_001364600.2); c.-240+94938A>G (NM_001349243.2); c.242+94938A>G (NM_001349241.2); short protein forms T25A.
Identifiers: ClinVar variation 1984332 (VCV001984332.4), dbSNP rs1014928103, ClinGen allele CA119327234.

ClinVar aggregate classification (germline): Uncertain significance (1 of 4 stars; one submission).

Allele frequency attached by ClinVar (database versions not stated): gnomAD 0.00003; TOPMed 0.00004; gnomAD exomes 0.00006.
gnomAD v4.1: 81 of 1,538,650 alleles (0.0053%); highest among the groups gnomAD compares: Middle Eastern, 0.038%; no homozygotes.

Submission:

Labcorp Genetics (formerly Invitae), Labcorp
Classification: Uncertain significance. Last evaluated: 2022-12-15. Review status: criteria provided, single submitter. Criteria: Invitae Variant Classification Sherloc (09022015). Collection method: clinical testing. Allele origin: germline.
Comment: This variant has not been reported in the literature in individuals affected with PDE4D-related conditions. This variant is not present in population databases (gnomAD no frequency). This sequence change replaces threonine, which is neutral and polar, with alanine, which is neutral and non-polar, at codon 25 of the PDE4D protein (p.Thr25Ala). Algorithms developed to predict the effect of missense changes on protein structure and function output the following: SIFT: "Tolerated"; PolyPhen-2: "Benign"; Align-GVGD: "Class C0". The alanine amino acid residue is found in multiple mammalian species, which suggests that this missense change does not adversely affect protein function. In summary, the available evidence is currently insufficient to determine the role of this variant in disease. Therefore, it has been classified as a Variant of Uncertain Significance.